The following is an entry in ClinVar:

ClinVar aggregate classification (germline): Uncertain significance (1 of 4 stars; one submission).

Conditions:
Congenital dyserythropoietic anemia, type II (CDAN2). Also called: DYSERYTHROPOIETIC ANEMIA, HEMPAS TYPE. Identifiers: Orphanet 98873, MedGen C1306589, MONDO:0009134, OMIM 224100.

gnomAD v4.1: 3 of 1,614,142 alleles (0.00019%); highest among the groups gnomAD compares: East Asian, 0.0045%; no homozygotes.

Submission:

3billion
Classification: Uncertain significance for Congenital dyserythropoietic anemia, type II. Last evaluated: 2025-04-14. Review status: criteria provided, single submitter. Criteria: ACMG Guidelines, 2015. Collection method: clinical testing. Allele origin: germline. Affected: yes.
Comment: The variant is observed at an extremely low frequency in the gnomAD v4.1.0 dataset (total allele frequency: <0.001%).Predicted Consequence/Location: Missense variant. The majority of the known disease-causing variants of this gene are variants expected to result in premature termination of the protein.In silico tool predictions suggest damaging effect of the variant on gene or gene product [REVEL: 0.90 (>=0.6, sensitivity 0.68 and specificity 0.92)]. Therefore, this variant is classified as VUS according to the recommendation of ACMG/AMP guideline.

NM_006363.6(SEC23B):c.1544T>C (p.Ile515Thr)

Gene: SEC23B (SEC23 homolog B, COPII component; plus strand). Cytogenetic location: 20p11.23.
Variant type: single nucleotide variant.
Coding change: c.1544T>C on transcript NM_006363.6 (MANE Select); coding-DNA position 1544, T replaced by C.
Protein change: p.Ile515Thr; replaces isoleucine 515 with threonine.
Molecular consequence: missense variant.
Genome position (GRCh38, 1-based): chr20:18,543,051, T>C. VCF-style: chr20-18543051-T-C. GRCh37 (hg19) VCF-style: chr20-18523695-T-C.
Other names: c.1544T>C, p.Ile515Thr (NM_001172745.3, NM_032985.6, NM_032986.5); c.1490T>C, p.Ile497Thr (NM_001172746.3); short protein forms I497T, I515T.
Identifiers: ClinVar variation 4291829 (VCV004291829.1).